The following is an entry in ClinVar:

NM_006206.6(PDGFRA):c.3221_3222delinsGC (p.Asp1074Gly)

Gene: PDGFRA (platelet derived growth factor receptor alpha; plus strand). Cytogenetic location: 4q12.
Variant type: Indel.
Coding change: c.3221_3222delinsGC on transcript NM_006206.6 (MANE Select); coding-DNA positions 3221 to 3222, AT replaced by GC.
Protein change: p.Asp1074Gly; replaces aspartic acid 1074 with glycine.
Molecular consequence: missense variant.
Genome position (GRCh38, 1-based): chr4:54,295,223-54,295,224, AT replaced by GC. VCF-style: chr4-54295223-AT-GC. GRCh37 (hg19) VCF-style: chr4-55161390-AT-GC.
Other names: c.3296_3297delinsGC, p.Asp1099Gly (NM_001347828.2); c.3221_3222delinsGC, p.Asp1074Gly (NM_001347829.2); c.3260_3261delinsGC, p.Asp1087Gly (NM_001347830.2); c.3221_3222delATinsGC (NM_006206.4); short protein forms D1074G, D1099G, D1087G.
Identifiers: ClinVar variation 950280 (VCV000950280.9), dbSNP rs1724825892, ClinGen allele CA1139658490.

ClinVar aggregate classification (germline): Conflicting classifications of pathogenicity. Review status: criteria provided, conflicting classifications (1 of 4 stars). 2 submissions from 2 submitters: Uncertain significance (1); Likely benign (1). Last evaluated 2026-01-13.

Conditions:
Gastrointestinal stromal tumor. Also called: Gastrointestinal stromal tumor, somatic; Gastrointestinal stroma tumor. Identifiers: Orphanet 44890, MedGen C0238198, MeSH D046152, MONDO:0011719, OMIM 606764, HP:0100723.
Hereditary cancer-predisposing syndrome. Also called: Hereditary neoplastic syndrome; Neoplastic Syndromes, Hereditary; Hereditary Cancer Syndrome; Tumor predisposition. Identifiers: Orphanet 140162, MedGen C0027672, MeSH D009386, MONDO:0015356.

Submissions (2):

Ambry Genetics
Classification: Likely benign for Hereditary cancer-predisposing syndrome. Last evaluated: 2026-01-13. Review status: criteria provided, single submitter. Criteria: Ambry Variant Classification Scheme 2023. Collection method: clinical testing. Allele origin: germline.

Labcorp Genetics (formerly Invitae), Labcorp
Classification: Uncertain significance for Gastrointestinal stromal tumor. Last evaluated: 2025-10-29. Review status: criteria provided, single submitter. Criteria: Invitae Variant Classification Sherloc (09022015). Collection method: clinical testing. Allele origin: germline.
Comment: This sequence change replaces aspartic acid, which is acidic and polar, with glycine, which is neutral and non-polar, at codon 1074 of the PDGFRA protein (p.Asp1074Gly). The frequency data for this variant in the population databases is considered unreliable, as metrics indicate poor data quality at this position in the gnomAD database. This variant has not been reported in the literature in individuals affected with PDGFRA-related conditions. ClinVar contains an entry for this variant (Variation ID: 950280). An algorithm developed to predict the effect of missense changes on protein structure and function (PolyPhen-2) suggests that this variant is likely to be disruptive. In summary, the available evidence is currently insufficient to determine the role of this variant in disease. Therefore, it has been classified as a Variant of Uncertain Significance.